The following is an entry in ClinVar:

NM_020706.2(SCAF4):c.294T>G (p.Tyr98Ter)

Gene: SCAF4 (SR-related CTD associated factor 4; minus strand). Cytogenetic location: 21q22.11.
Variant type: single nucleotide variant.
Coding change: c.294T>G on transcript NM_020706.2 (MANE Select); coding-DNA position 294, T replaced by G.
Protein change: p.Tyr98Ter; replaces tyrosine 98 with a stop codon.
Molecular consequence: nonsense.
Genome position (GRCh38, 1-based): chr21:31,703,792, A>C on the plus strand (T>G on the coding strand, the complement: SCAF4 is on the minus strand). VCF-style: chr21-31703792-A-C. GRCh37 (hg19) VCF-style: chr21-33076105-A-C.
Other names: c.249T>G, p.Tyr83Ter (NM_001145444.1); c.294T>G, p.Tyr98Ter (NM_001145445.1); short protein forms Y83*, Y98*.
Identifiers: ClinVar variation 2692463 (VCV002692463.1), dbSNP rs2516811028, ClinGen allele CA410051141.

ClinVar aggregate classification (germline): Likely pathogenic (1 of 4 stars; one submission).

Conditions:
Fliedner-Zweier syndrome (FZS). Identifiers: MedGen C5882693, MONDO:0957787, OMIM 620511.

Submission:

Greenwood Genetic Center Diagnostic Laboratories, Greenwood Genetic Center
Classification: Likely pathogenic for Fliedner-Zweier syndrome. Last evaluated: 2023-11-15. Review status: criteria provided, single submitter. Criteria: ACMG Guidelines, 2015. Collection method: clinical testing. Allele origin: germline. Affected: yes.
Comment: PVS1, PM2